The following is an entry in ClinVar:

ClinVar aggregate classification (germline): Uncertain significance (1 of 4 stars; one submission).

Conditions:
Deficiency of butyryl-CoA dehydrogenase (ACADSD). Also called: SCAD DEFICIENCY, MILD; SCAD Deficiency; ACADS DEFICIENCY; Short-Chain Acyl-CoA Dehydrogenase Deficiency; SCADH DEFICIENCY; ACYL-CoA DEHYDROGENASE, SHORT-CHAIN, DEFICIENCY OF. Identifiers: Orphanet 26792, MedGen C0342783, MONDO:0008722, OMIM 201470. Disease mechanism: May be benign.

Submission:

Labcorp Genetics (formerly Invitae), Labcorp
Classification: Uncertain significance for Deficiency of butyryl-CoA dehydrogenase. Last evaluated: 2025-08-03. Review status: criteria provided, single submitter. Criteria: Invitae Variant Classification Sherloc (09022015). Collection method: clinical testing. Allele origin: germline.
Comment: This sequence change replaces glutamine, which is neutral and polar, with arginine, which is basic and polar, at codon 135 of the ACADS protein (p.Gln135Arg). This variant is not present in population databases (gnomAD no frequency). This variant has not been reported in the literature in individuals affected with ACADS-related conditions. Invitae Evidence Modeling of protein sequence and biophysical properties (such as structural, functional, and spatial information, amino acid conservation, physicochemical variation, residue mobility, and thermodynamic stability) has been performed for this missense variant. However, the output from this modeling did not meet the statistical confidence thresholds required to predict the impact of this variant on ACADS protein function. In summary, the available evidence is currently insufficient to determine the role of this variant in disease. Therefore, it has been classified as a Variant of Uncertain Significance.

NM_000017.4(ACADS):c.404A>G (p.Gln135Arg)

Gene: ACADS (acyl-CoA dehydrogenase short chain; plus strand). Cytogenetic location: 12q24.31.
Variant type: single nucleotide variant.
Coding change: c.404A>G on transcript NM_000017.4 (MANE Select); coding-DNA position 404, A replaced by G.
Protein change: p.Gln135Arg; replaces glutamine 135 with arginine.
Molecular consequence: missense variant.
Genome position (GRCh38, 1-based): chr12:120,737,399, A>G. VCF-style: chr12-120737399-A-G. GRCh37 (hg19) VCF-style: chr12-121175202-A-G.
Other names: c.404A>G, p.Gln135Arg (NM_001302554.2); short protein forms Q135R.
Identifiers: ClinVar variation 4693795 (VCV004693795.1).